The following is an entry in ClinVar:

ClinVar aggregate classification (germline): Uncertain significance (1 of 4 stars; one submission).

Conditions:
Neurofibromatosis, type 1 (NF1). Also called: VON RECKLINGHAUSEN DISEASE; Peripheral type neurofibromatosis; NEUROFIBROMATOSIS, TYPE I, SOMATIC; Neurofibromatosis, type I. Identifiers: Orphanet 636, MedGen C0027831, MONDO:0018975, OMIM 162200. Disease mechanism: loss of function.

Submission:

Labcorp Genetics (formerly Invitae), Labcorp
Classification: Uncertain significance for Neurofibromatosis, type 1. Last evaluated: 2025-12-10. Review status: criteria provided, single submitter. Criteria: Invitae Variant Classification Sherloc (09022015). Collection method: clinical testing. Allele origin: germline.
Comment: This sequence change replaces glutamic acid, which is acidic and polar, with valine, which is neutral and non-polar, at codon 1344 of the NF1 protein (p.Glu1344Val). This variant is not present in population databases (gnomAD no frequency). This missense change has been observed in individual(s) with breast cancer (PMID: 30287823). Invitae Evidence Modeling of protein sequence and biophysical properties (such as structural, functional, and spatial information, amino acid conservation, physicochemical variation, residue mobility, and thermodynamic stability) indicates that this missense variant is expected to disrupt NF1 protein function with a positive predictive value of 95%. In summary, the available evidence is currently insufficient to determine the role of this variant in disease. Therefore, it has been classified as a Variant of Uncertain Significance.

Literature cited by the submitters: PubMed 30287823.

NM_001042492.3(NF1):c.4031A>T (p.Glu1344Val)

Gene: NF1 (neurofibromin 1; plus strand). Cytogenetic location: 17q11.2.
Variant type: single nucleotide variant.
Coding change: c.4031A>T on transcript NM_001042492.3 (MANE Select); coding-DNA position 4031, A replaced by T.
Protein change: p.Glu1344Val; replaces glutamic acid 1344 with valine.
Molecular consequence: missense variant.
Genome position (GRCh38, 1-based): chr17:31,249,040, A>T. VCF-style: chr17-31249040-A-T. GRCh37 (hg19) VCF-style: chr17-29576058-A-T.
Other names: c.4031A>T, p.Glu1344Val (NM_000267.4); short protein forms E1344V.
Identifiers: ClinVar variation 4739107 (VCV004739107.1).
Genomic context (GRCh38, chr17:31,249,040, plus strand): 5'-GTAGGTTAGAACCATCAGAGAGCCTTGAGGAAAACCAGCGGAACCTCCTTCAGATGACTG[A>T]AAAGTTCTTCCATGCCATCATCAGTTCCTCCTCAGAATTCCCCCCTCAACTTCGAAGTGT-3'
Protein context (NP_001035957.1, residues 1334-1354): ENQRNLLQMT[Glu1344Val]KFFHAIISSS